The following is an entry in ClinVar:

NM_006734.4(HIVEP2):c.2784C>G (p.Ser928=)

Gene: HIVEP2 (HIVEP zinc finger 2; minus strand). Cytogenetic location: 6q24.2.
Variant type: single nucleotide variant.
Coding change: c.2784C>G on transcript NM_006734.4 (MANE Select); coding-DNA position 2784, C replaced by G.
Protein change: p.Ser928=; no amino-acid change (serine 928 retained).
Molecular consequence: synonymous variant.
Genome position (GRCh38, 1-based): chr6:142,771,955, G>C on the plus strand (C>G on the coding strand, the complement: HIVEP2 is on the minus strand). VCF-style: chr6-142771955-G-C. GRCh37 (hg19) VCF-style: chr6-143093092-G-C.
Identifiers: ClinVar variation 2170551 (VCV002170551.29), dbSNP rs35448483, ClinGen allele CA4028366.
Genomic context (GRCh38, chr6:142,771,955, plus strand): 5'-CTCCATATCTGCAAGTCGCAGACGCTTCTTTTTGGGTGGCAACTTCTCCGCGGGGAGCTG[G>C]GAAAGGGTCTCACTTCTCTGGGGCCACTGAAATTCTTCCACAGGCTTCTCTGGCTCTTTG-3'
Protein context (NP_006725.3, residues 918-938): FQWPQRSETL[Ser928=]QLPAEKLPPK

ClinVar aggregate classification (germline): Benign/Likely benign. Review status: criteria provided, multiple submitters, no conflicts (2 of 4 stars). 3 submissions from 3 submitters: Benign (1); Likely benign (2). Last evaluated 2025-12-01.

Allele frequency attached by ClinVar (database versions not stated): gnomAD exomes 0.00012; ExAC 0.00041; gnomAD 0.00098; TOPMed 0.00107; ESP Exome Variant Server 0.00109; 1000 Genomes Project 0.00120; 1000 Genomes Project 30x 0.00141.
gnomAD v4.1: 344 of 1,614,160 alleles (0.021%); highest among the groups gnomAD compares: African/African-American, 0.35%; 2 homozygotes.

Submissions (3):

Labcorp Genetics (formerly Invitae), Labcorp
Classification: Benign. Last evaluated: 2025-12-01. Review status: criteria provided, single submitter. Criteria: Invitae Variant Classification Sherloc (09022015). Collection method: clinical testing. Allele origin: germline.

Blueprint Genetics
Classification: Likely benign. Last evaluated: 2024-11-14. Review status: criteria provided, single submitter. Criteria: ACMG Guidelines, 2015. Collection method: clinical testing. Allele origin: germline.

CeGaT Center for Human Genetics Tuebingen
Classification: Likely benign. Last evaluated: 2023-05-01. Review status: criteria provided, single submitter. Criteria: CeGaT Center For Human Genetics Tuebingen Variant Classification Criteria Version 2. Collection method: clinical testing. Allele origin: germline. Affected: yes. Observed: 2 variant alleles.
Comment: HIVEP2: BP4, BP7